The following is an entry in ClinVar:

ClinVar aggregate classification (germline): Pathogenic (1 of 4 stars; one submission).

Conditions:
Cataract 21 multiple types. Also called: CATARACT 21, MULTIPLE TYPES, WITH MICROCORNEA; Cataract, congenital, cerulean type, 4; CATARACT 21, MULTIPLE TYPES, WITH OR WITHOUT MICROCORNEA; CATARACT 21, CERULEAN, WITH OR WITHOUT MICROCORNEA. Identifiers: Orphanet 91492, MedGen C1857768, MONDO:0012437, OMIM 610202.
Ayme-Gripp syndrome. Also called: Aymé-Gripp Syndrome. Identifiers: MedGen C1832812, MONDO:0010992, OMIM 601088.

Submission:

Labcorp Genetics (formerly Invitae), Labcorp
Classification: Pathogenic for Cataract 21 multiple types; Ayme-Gripp syndrome. Last evaluated: 2019-01-04. Review status: criteria provided, single submitter. Criteria: Invitae Variant Classification Sherloc (09022015). Collection method: clinical testing. Allele origin: germline.
Comment: This variant has been observed to segregate with congenital cataract in a family (Invitae). This variant is not present in population databases (ExAC no frequency). This sequence change replaces arginine with glutamine at codon 294 of the MAF protein (p.Arg294Gln). The arginine residue is highly conserved and there is a small physicochemical difference between arginine and glutamine. This variant has been reported as a naturally-occurring variant in a mouse model of congenital cataracts, and has been shown to alter MAF DNA binding activity (PMID: 12620964). It is also known as Arg291Gln in this paper. For these reasons, this variant has been classified as Pathogenic. This variant disrupts the p.Arg294 amino acid residue in MAF. Other variant(s) that disrupt this residue have been observed in individuals with MAF-related conditions (PMID: 24968223, 26694549), which suggests that this may be a clinically significant amino acid residue.

Literature cited by the submitters: PubMed 12620964; PubMed 24968223; PubMed 26694549.

NM_005360.5(MAF):c.881G>A (p.Arg294Gln)

Gene: MAF (MAF bZIP transcription factor; minus strand). Cytogenetic location: 16q23.2.
Variant type: single nucleotide variant.
Coding change: c.881G>A on transcript NM_005360.5 (MANE Select); coding-DNA position 881, G replaced by A.
Protein change: p.Arg294Gln; replaces arginine 294 with glutamine.
Molecular consequence: missense variant.
Genome position (GRCh38, 1-based): chr16:79,599,022, C>T on the plus strand (G>A on the coding strand, the complement: MAF is on the minus strand). VCF-style: chr16-79599022-C-T. GRCh37 (hg19) VCF-style: chr16-79632919-C-T.
Other names: c.881G>A, p.Arg294Gln (NM_001031804.3); short protein forms R294Q.
Identifiers: ClinVar variation 664291 (VCV000664291.11), dbSNP rs1597847611, ClinGen allele CA396535032.